The following is an entry in ClinVar:

NM_004946.3(DOCK2):c.779G>A (p.Arg260Gln)

Gene: DOCK2 (dedicator of cytokinesis 2; plus strand). Cytogenetic location: 5q35.1.
Variant type: single nucleotide variant.
Coding change: c.779G>A on transcript NM_004946.3 (MANE Select); coding-DNA position 779, G replaced by A.
Protein change: p.Arg260Gln; replaces arginine 260 with glutamine.
Molecular consequence: missense variant. On other transcripts: non-coding transcript variant (1).
Genome position (GRCh38, 1-based): chr5:169,689,269, G>A. VCF-style: chr5-169689269-G-A. GRCh37 (hg19) VCF-style: chr5-169116273-G-A.
Other names: short protein forms R260Q.
Identifiers: ClinVar variation 3634721 (VCV003634721.2).

ClinVar aggregate classification (germline): Uncertain significance (1 of 4 stars; one submission).

Conditions:
DOCK2 deficiency. Also called: Immunodeficiency 40. Identifiers: Orphanet 447737, MedGen C4225328, MONDO:0014637, OMIM 616433.

gnomAD v4.1: 5 of 1,613,990 alleles (0.00031%); highest among the groups gnomAD compares: East Asian, 0.0022%; no homozygotes.

Submission:

Labcorp Genetics (formerly Invitae), Labcorp
Classification: Uncertain significance for DOCK2 deficiency. Last evaluated: 2024-02-09. Review status: criteria provided, single submitter. Criteria: Invitae Variant Classification Sherloc (09022015). Collection method: clinical testing. Allele origin: germline.
Comment: This sequence change replaces arginine, which is basic and polar, with glutamine, which is neutral and polar, at codon 260 of the DOCK2 protein (p.Arg260Gln). This variant is present in population databases (rs764590955, gnomAD 0.005%). This variant has not been reported in the literature in individuals affected with DOCK2-related conditions. An algorithm developed to predict the effect of missense changes on protein structure and function (PolyPhen-2) suggests that this variant is likely to be tolerated. In summary, the available evidence is currently insufficient to determine the role of this variant in disease. Therefore, it has been classified as a Variant of Uncertain Significance.